The following is an entry in ClinVar:

NM_182914.3(SYNE2):c.17583G>T (p.Trp5861Cys)

Gene: SYNE2 (spectrin repeat containing nuclear envelope protein 2; plus strand). Cytogenetic location: 14q23.2.
Variant type: single nucleotide variant.
Coding change: c.17583G>T on transcript NM_182914.3 (MANE Select); coding-DNA position 17583, G replaced by T.
Protein change: p.Trp5861Cys; replaces tryptophan 5861 with cysteine.
Molecular consequence: missense variant.
Genome position (GRCh38, 1-based): chr14:64,186,450, G>T. VCF-style: chr14-64186450-G-T. GRCh37 (hg19) VCF-style: chr14-64653168-G-T.
Other names: c.17583G>T, p.Trp5861Cys (NM_015180.6); short protein forms W5861C.
Identifiers: ClinVar variation 1805815 (VCV001805815.4), dbSNP rs767570119, ClinGen allele CA7223765.
Genomic context (GRCh38, chr14:64,186,450, plus strand): 5'-AGGCTTTTTACCCCCTTCTTGTGATTAAATGCAGGAACTAGAACAGTCTTTGGCTAGCTG[G>T]ACTCAGAACTTGAAAGAACTTCAAACTATGAAGGCGGACTTAACCCGGCACGTTCTCGTG-3'
Protein context (NP_878918.2, residues 5851-5871): IKELEQSLAS[Trp5861Cys]TQNLKELQTM

ClinVar aggregate classification (germline): Uncertain significance. Review status: criteria provided, multiple submitters, no conflicts (2 of 4 stars). 2 submissions from 2 submitters: Uncertain significance (2). Last evaluated 2025-09-02.

Conditions:
Emery-Dreifuss muscular dystrophy 5, autosomal dominant (EDMD5). Also called: EMERY-DREIFUSS MUSCULAR DYSTROPHY 5. Identifiers: Orphanet 261, MedGen C2751805, MONDO:0013072, OMIM 612999.

Allele frequency attached by ClinVar (database versions not stated): ExAC 0.00001.
gnomAD v4.1: 9 of 1,614,176 alleles (0.00056%); highest among the groups gnomAD compares: Non-Finnish European, 0.00068%; no homozygotes.

Submissions (2):

Labcorp Genetics (formerly Invitae), Labcorp
Classification: Uncertain significance for Emery-Dreifuss muscular dystrophy 5, autosomal dominant. Last evaluated: 2025-09-02. Review status: criteria provided, single submitter. Criteria: Invitae Variant Classification Sherloc (09022015). Collection method: clinical testing. Allele origin: germline.
Comment: This sequence change replaces tryptophan, which is neutral and slightly polar, with cysteine, which is neutral and slightly polar, at codon 5861 of the SYNE2 protein (p.Trp5861Cys). This variant is present in population databases (rs767570119, gnomAD 0.0009%). This variant has not been reported in the literature in individuals affected with SYNE2-related conditions. ClinVar contains an entry for this variant (Variation ID: 1805815). An algorithm developed to predict the effect of missense changes on protein structure and function (PolyPhen-2) suggests that this variant is likely to be disruptive. In summary, the available evidence is currently insufficient to determine the role of this variant in disease. Therefore, it has been classified as a Variant of Uncertain Significance.

Victorian Clinical Genetics Services, Murdoch Childrens Research Institute
Classification: Uncertain significance for Emery-Dreifuss muscular dystrophy 5, autosomal dominant. Last evaluated: 2020-05-21. Review status: criteria provided, single submitter. Criteria: ACMG Guidelines, 2015. Collection method: clinical testing. Allele origin: germline. Inheritance: Autosomal dominant inheritance. Affected: yes.
Comment: Based on the classification scheme VCGS_Germline_v0.6.1, this variant is classified as 3C-VUS. Following criteria are met: 0102 - Loss of function is a known mechanism of disease for this gene. 0104 - Mechanism of disease for this gene is dominant negative. 0107 - This gene is known to be associated with autosomal dominant disease. 0200 - Variant is predicted to result in a missense amino acid change from tryptophan to cysteine (exon 97). 0301 - Variant is present in gnomAD <0.001 for a dominant condition (1 heterozygote, 0 homozygotes). 0501 - Missense variant consistently predicted to be damaging by in-silico tools or highly conserved with a major amino acid change. 0600 - Variant is located in an annotated domain or motif that does not have a well established function (SMC prok B superfamily domain; NCBI). 0705 - No comparable variants in relevant codon/region have previous evidence for pathogenicity. 0807 - Variant has not previously been reported in a clinical context. 0905 - No published segregation evidence has been identified for this variant. 1007 - No published functional evidence has been identified for this variant. Legend: (P) - Pathogenic, (N) - Neutral, (B) - Benign